The following is an entry in ClinVar:

NM_000535.7(PMS2):c.552G>A (p.Met184Ile)

Gene: PMS2 (PMS1 homolog 2, mismatch repair system component; minus strand). Cytogenetic location: 7p22.1.
Variant type: single nucleotide variant.
Coding change: c.552G>A on transcript NM_000535.7 (MANE Select); coding-DNA position 552, G replaced by A.
Protein change: p.Met184Ile; replaces methionine 184 with isoleucine.
Molecular consequence: missense variant. On other transcripts: non-coding transcript variant (1), intron variant (3).
Genome position (GRCh38, 1-based): chr7:5,999,261, C>T on the plus strand (G>A on the coding strand, the complement: PMS2 is on the minus strand). VCF-style: chr7-5999261-C-T. GRCh37 (hg19) VCF-style: chr7-6038892-C-T.
Other names: c.147G>A, p.Met49Ile (NM_001322003.2, NM_001322004.2, NM_001322005.2 and 2 more transcripts); c.552G>A, p.Met184Ile (NM_001322006.2, NM_001322014.2); c.234G>A, p.Met78Ile (NM_001322007.2, NM_001322008.2); c.243G>A, p.Met81Ile (NM_001322015.2); c.133-1838G>A (NM_001322013.2); c.-347-35G>A (NM_001322012.2, NM_001322011.2); short protein forms M184I, M49I, M81I, M78I.
Identifiers: ClinVar variation 825808 (VCV000825808.10), dbSNP rs764853641, ClinGen allele CA366744107.
Genomic context (GRCh38, chr7:5,999,261, plus strand): 5'-ATTGGTGCAACTTACACGGATGCCTGCTGAAATGATACAGTATGCATGTAAGACCTGGAC[C>T]ATTTTGGCATACTCCTGTTTAAAAAACACAAACACAATATTCTACATTACTTTAATATTA-3'
Protein context (NP_000526.2, residues 174-194): QRNIKKEYAK[Met184Ile]VQVLHAYCII

ClinVar aggregate classification (germline): Uncertain significance. Review status: criteria provided, multiple submitters, no conflicts (2 of 4 stars). 3 submissions from 3 submitters: Uncertain significance (3). Last evaluated 2023-12-04.

Conditions:
Hereditary cancer-predisposing syndrome. Also called: Neoplastic Syndromes, Hereditary; Tumor predisposition; Hereditary neoplastic syndrome; Hereditary Cancer Syndrome. Identifiers: Orphanet 140162, MedGen C0027672, MeSH D009386, MONDO:0015356.
PMS2-related disorder. Also called: PMS2-related condition.

Submissions (3):

Color Diagnostics, LLC DBA Color Health
Classification: Uncertain significance for Hereditary cancer-predisposing syndrome. Last evaluated: 2023-12-04. Review status: criteria provided, single submitter. Criteria: ACMG Guidelines, 2015. Collection method: clinical testing. Allele origin: germline.
Comment: This missense variant replaces methionine with isoleucine at codon 184 of the PMS2 protein. Computational prediction tools and conservation analyses are inconclusive regarding the impact of this variant on protein structure and function. Splice site prediction tools suggest that this variant may not impact RNA splicing. To our knowledge, functional studies have not been performed for this variant. This variant has not been reported in individuals affected with hereditary cancer in the literature. This variant has not been identified in the general population by the Genome Aggregation Database (gnomAD). The available evidence is insufficient to determine the role of this variant in disease conclusively. Therefore, this variant is classified as a Variant of Uncertain Significance.

PreventionGenetics, part of Exact Sciences
Classification: Uncertain significance for PMS2-related condition. Last evaluated: 2022-08-18. Review status: criteria provided, single submitter. Criteria: ACMG Guidelines, 2015. Collection method: clinical testing. Allele origin: germline.
Comment: The PMS2 c.552G>A variant is predicted to result in the amino acid substitution p.Met184Ile. To our knowledge, this variant has not been reported in the literature or in a large population database, indicating this variant is rare. In ClinVar, this variant has been interpreted as uncertain. At this time, the clinical significance of this variant is uncertain due to the absence of conclusive functional and genetic evidence.

Ambry Genetics
Classification: Uncertain significance for Hereditary cancer-predisposing syndrome. Last evaluated: 2021-06-30. Review status: criteria provided, single submitter. Criteria: Ambry Variant Classification Scheme 2023. Collection method: clinical testing. Allele origin: germline.
Comment: The p.M184I variant (also known as c.552G>A), located in coding exon 6 of the PMS2 gene, results from a G to A substitution at nucleotide position 552. The methionine at codon 184 is replaced by isoleucine, an amino acid with highly similar properties. This amino acid position is highly conserved in available vertebrate species. In addition, this alteration is predicted to be deleterious by in silico analysis. Since supporting evidence is limited at this time, the clinical significance of this alteration remains unclear.